The following is an entry in ClinVar:

ClinVar aggregate classification (germline): Uncertain significance. Review status: criteria provided, multiple submitters, no conflicts (2 of 4 stars). 3 submissions from 3 submitters: Uncertain significance (3). Last evaluated 2024-09-05.

Conditions:
Inborn genetic diseases. Identifiers: MedGen C0950123, MeSH D030342.

Allele frequency attached by ClinVar (database versions not stated): gnomAD 0.00001; gnomAD exomes 0.00001; TOPMed 0.00002.
gnomAD v4.1: 11 of 1,613,934 alleles (0.00068%); highest among the groups gnomAD compares: East Asian, 0.0045%; no homozygotes.

Submissions (3):

Labcorp Genetics (formerly Invitae), Labcorp
Classification: Uncertain significance. Last evaluated: 2024-09-05. Review status: criteria provided, single submitter. Criteria: Invitae Variant Classification Sherloc (09022015). Collection method: clinical testing. Allele origin: germline.
Comment: This sequence change replaces proline, which is neutral and non-polar, with leucine, which is neutral and non-polar, at codon 352 of the COL10A1 protein (p.Pro352Leu). The frequency data for this variant in the population databases is considered unreliable, as metrics indicate poor data quality at this position in the gnomAD database. This variant has not been reported in the literature in individuals affected with COL10A1-related conditions. ClinVar contains an entry for this variant (Variation ID: 1911020). Invitae Evidence Modeling of protein sequence and biophysical properties (such as structural, functional, and spatial information, amino acid conservation, physicochemical variation, residue mobility, and thermodynamic stability) indicates that this missense variant is not expected to disrupt COL10A1 protein function with a negative predictive value of 80%. In summary, the available evidence is currently insufficient to determine the role of this variant in disease. Therefore, it has been classified as a Variant of Uncertain Significance.

Ambry Genetics
Classification: Uncertain significance for Inborn genetic diseases. Last evaluated: 2024-04-08. Review status: criteria provided, single submitter. Criteria: Ambry Variant Classification Scheme 2023. Collection method: clinical testing. Allele origin: germline.

Women's Health and Genetics/Laboratory Corporation of America, LabCorp
Classification: Uncertain significance. Last evaluated: 2023-11-13. Review status: criteria provided, single submitter. Criteria: LabCorp Variant Classification Summary - May 2015. Collection method: clinical testing. Allele origin: germline.
Comment: Variant summary: COL10A1 c.1055C>T (p.Pro352Leu) results in a non-conservative amino acid change in the encoded protein sequence. Five of five in-silico tools predict a damaging effect of the variant on protein function. The variant allele was found at a frequency of 4e-06 in 250870 control chromosomes (gnomAD). The available data on variant occurrences in the general population are insufficient to allow any conclusion about variant significance. To our knowledge, no occurrence of c.1055C>T in individuals affected with Metaphyseal Chondrodysplasia, Schmid Type and no experimental evidence demonstrating its impact on protein function have been reported. One submitter has cited a clinical-significance assessment for this variant to ClinVar after 2014 and has classified the variant as uncertain significance. Based on the evidence outlined above, the variant was classified as uncertain significance.

NM_000493.4(COL10A1):c.1055C>T (p.Pro352Leu)

Genes: COL10A1 (collagen type X alpha 1 chain; minus strand), NT5DC1 (5'-nucleotidase domain containing 1; plus strand). Cytogenetic location: 6q22.1.
Variant type: single nucleotide variant.
Coding change: c.1055C>T on transcript NM_000493.4 (MANE Select); coding-DNA position 1055, C replaced by T.
Protein change: p.Pro352Leu; replaces proline 352 with leucine.
Molecular consequence: missense variant. On other transcripts: intron variant (1).
Genome position (GRCh38, 1-based): chr6:116,121,061, G>A on the plus strand (C>T on the coding strand, the complement: COL10A1 is on the minus strand). VCF-style: chr6-116121061-G-A. GRCh37 (hg19) VCF-style: chr6-116442224-G-A.
Other names: c.1055C>T (NM_000493.3); c.1055C>T, p.Pro352Leu (NM_001424106.1, NM_001424107.1); c.529+3116G>A (NM_152729.3); short protein forms P352L.
Identifiers: ClinVar variation 1911020 (VCV001911020.7), dbSNP rs1047618863, ClinGen allele CA365390555.